The following is an entry in ClinVar:

ClinVar aggregate classification (germline): Uncertain significance. Review status: criteria provided, multiple submitters, no conflicts (2 of 4 stars). 2 submissions from 2 submitters: Uncertain significance (2). Last evaluated 2026-06-16.

Conditions:
TP63-related disorder. Also called: TP63-related condition; TP63-Related Disorders. Identifiers: MedGen CN380159.
TP63-Related Spectrum Disorders.

Allele frequency attached by ClinVar (database versions not stated): gnomAD 0.00002 and 0.00003; gnomAD exomes 0.00002 and 0.00005; TOPMed 0.00002; ExAC 0.00003; ESP Exome Variant Server 0.00023.
gnomAD v4.1: 79 of 1,613,886 alleles (0.0049%); highest among the groups gnomAD compares: Non-Finnish European, 0.0064%; no homozygotes.

Submissions (2):

PreventionGenetics, part of Exact Sciences
Classification: Uncertain significance for TP63-related condition. Last evaluated: 2026-06-16. Review status: criteria provided, single submitter. Criteria: ACMG Guidelines, 2015. Collection method: clinical testing. Allele origin: germline.
Comment: The TP63 c.1130C>T variant is predicted to result in the amino acid substitution p.Pro377Leu. To our knowledge, this variant has not been reported in the literature. This variant is reported in 0.0040% of alleles in individuals of African descent in gnomAD. At this time, the clinical significance of this variant is uncertain due to the absence of conclusive functional and genetic evidence.

Labcorp Genetics (formerly Invitae), Labcorp
Classification: Uncertain significance. Last evaluated: 2024-11-22. Review status: criteria provided, single submitter. Criteria: Invitae Variant Classification Sherloc (09022015). Collection method: clinical testing. Allele origin: germline.
Comment: This sequence change replaces proline, which is neutral and non-polar, with leucine, which is neutral and non-polar, at codon 377 of the TP63 protein (p.Pro377Leu). This variant is present in population databases (rs148052765, gnomAD 0.004%). This variant has not been reported in the literature in individuals affected with TP63-related conditions. ClinVar contains an entry for this variant (Variation ID: 1425866). Invitae Evidence Modeling incorporating data from in vitro experimental studies (internal data) indicates that this missense variant is not expected to disrupt TP63 function with a negative predictive value of 80%. In summary, the available evidence is currently insufficient to determine the role of this variant in disease. Therefore, it has been classified as a Variant of Uncertain Significance.

NM_003722.5(TP63):c.1130C>T (p.Pro377Leu)

Gene: TP63 (tumor protein p63; plus strand). Cytogenetic location: 3q28.
Variant type: single nucleotide variant.
Coding change: c.1130C>T on transcript NM_003722.5 (MANE Select); coding-DNA position 1130, C replaced by T.
Protein change: p.Pro377Leu; replaces proline 377 with leucine.
Molecular consequence: missense variant.
Genome position (GRCh38, 1-based): chr3:189,869,324, C>T. VCF-style: chr3-189869324-C-T. GRCh37 (hg19) VCF-style: chr3-189587113-C-T.
Other names: c.1130C>T, p.Pro377Leu (NM_001114978.2, NM_001114979.2, NM_001329144.2); c.848C>T, p.Pro283Leu (NM_001114980.2, NM_001114981.2, NM_001114982.2 and 1 more transcripts); c.593C>T, p.Pro198Leu (NM_001329146.2); c.1118C>T, p.Ala373Val (NM_001329148.2); c.836C>T, p.Ala279Val (NM_001329149.2); c.581C>T, p.Ala194Val (NM_001329150.2); c.1124C>T, p.Pro375Leu (NM_001329964.2); c.1130C>T (NM_003722.4); short protein forms A194V, P377L, A279V, P198L, P283L, A373V, P375L.
Identifiers: ClinVar variation 1425866 (VCV001425866.8), dbSNP rs148052765, ClinGen allele CA2752361.